The following is an entry in ClinVar:

ClinVar aggregate classification (germline): Uncertain significance (1 of 4 stars; one submission).

Conditions:
Joubert syndrome 21 (JBTS21). Identifiers: MedGen C3810212, MONDO:0014288, OMIM 615636.

Allele frequency attached by ClinVar (database versions not stated): gnomAD 0.00001; gnomAD exomes 0.00001; TOPMed 0.00002.
gnomAD v4.1: 11 of 1,608,658 alleles (0.00068%); highest among the groups gnomAD compares: African/African-American, 0.0027%; no homozygotes.

Submission:

Labcorp Genetics (formerly Invitae), Labcorp
Classification: Uncertain significance for Joubert syndrome 21. Last evaluated: 2022-04-28. Review status: criteria provided, single submitter. Criteria: Invitae Variant Classification Sherloc (09022015). Collection method: clinical testing. Allele origin: germline.
Comment: In summary, the available evidence is currently insufficient to determine the role of this variant in disease. Therefore, it has been classified as a Variant of Uncertain Significance. Algorithms developed to predict the effect of missense changes on protein structure and function are either unavailable or do not agree on the potential impact of this missense change (SIFT: "Tolerated"; PolyPhen-2: "Probably Damaging"; Align-GVGD: "Class C0"). This sequence change replaces tyrosine, which is neutral and polar, with cysteine, which is neutral and slightly polar, at codon 301 of the CSPP1 protein (p.Tyr301Cys). This variant is present in population databases (no rsID available, gnomAD 0.01%). This variant has not been reported in the literature in individuals affected with CSPP1-related conditions.

NM_001382391.1(CSPP1):c.875A>G (p.Tyr292Cys)

Gene: CSPP1 (centrosome and spindle pole associated protein 1; plus strand). Cytogenetic location: 8q13.1.
Variant type: single nucleotide variant.
Coding change: c.875A>G on transcript NM_001382391.1 (MANE Select); coding-DNA position 875, A replaced by G.
Protein change: p.Tyr292Cys; replaces tyrosine 292 with cysteine.
Molecular consequence: missense variant.
Genome position (GRCh38, 1-based): chr8:67,095,684, A>G. VCF-style: chr8-67095684-A-G. GRCh37 (hg19) VCF-style: chr8-68007919-A-G.
Other names: c.20A>G, p.Tyr7Cys (NM_001291339.2); c.794A>G, p.Tyr265Cys (NM_001363131.2, NM_001363133.2); c.875A>G, p.Tyr292Cys (NM_001363132.2); c.983A>G, p.Tyr328Cys (NM_001364869.1); c.902A>G, p.Tyr301Cys (NM_001364870.1, NM_024790.7); short protein forms Y7C, Y265C, Y292C, Y301C, Y328C.
Identifiers: ClinVar variation 1474687 (VCV001474687.6), dbSNP rs1369528194, ClinGen allele CA371191625.